The following is an entry in ClinVar:

ClinVar aggregate classification (germline): Likely pathogenic (1 of 4 stars; one submission).

Conditions:
Developmental and epileptic encephalopathy, 23 (DEE23). Also called: Epileptic encephalopathy, early infantile, 23. Identifiers: Orphanet 411986, MedGen C4014492, MONDO:0014371, OMIM 615859.

Allele frequency attached by ClinVar (database versions not stated): TOPMed below 0.00001; gnomAD 0.00001.
gnomAD v4.1: 1 of 1,608,218 alleles (0.000062%); highest among the groups gnomAD compares: Non-Finnish European, 0.000085%; no homozygotes.

Submission:

Labcorp Genetics (formerly Invitae), Labcorp
Classification: Likely pathogenic for Developmental and epileptic encephalopathy, 23. Last evaluated: 2023-09-21. Review status: criteria provided, single submitter. Criteria: Invitae Variant Classification Sherloc (09022015). Collection method: clinical testing. Allele origin: germline.
Comment: In summary, the currently available evidence indicates that the variant is pathogenic, but additional data are needed to prove that conclusively. Therefore, this variant has been classified as Likely Pathogenic. Algorithms developed to predict the effect of sequence changes on RNA splicing suggest that this variant may disrupt the consensus splice site. This variant has not been reported in the literature in individuals affected with DOCK7-related conditions. This variant is not present in population databases (gnomAD no frequency). This sequence change affects an acceptor splice site in intron 19 of the DOCK7 gene. It is expected to disrupt RNA splicing. Variants that disrupt the donor or acceptor splice site typically lead to a loss of protein function (PMID: 16199547), and loss-of-function variants in DOCK7 are known to be pathogenic (PMID: 24814191).

Literature cited by the submitters: PubMed 16199547; PubMed 24814191.

NM_001367561.1(DOCK7):c.2200-2A>G

Gene: DOCK7 (dedicator of cytokinesis 7; minus strand). Cytogenetic location: 1p31.3.
Variant type: single nucleotide variant.
Coding change: c.2200-2A>G on transcript NM_001367561.1 (MANE Select); the canonical splice acceptor site of the intron before coding-DNA position 2200, A replaced by G.
Molecular consequence: splice acceptor variant.
Genome position (GRCh38, 1-based): chr1:62,559,222, T>C on the plus strand (A>G on the coding strand, the complement: DOCK7 is on the minus strand). VCF-style: chr1-62559222-T-C. GRCh37 (hg19) VCF-style: chr1-63024893-T-C.
Other names: c.2200-2A>G (NM_001272001.2, NM_001272000.2, NM_033407.4 and 2 more transcripts).
Identifiers: ClinVar variation 2734971 (VCV002734971.3), dbSNP rs1243125644, ClinGen allele CA340627729.
Genomic context (GRCh38, chr1:62,559,222, plus strand): 5'-GGGAACAGGTGTTCATCCAGAGCATTGACCAGAGCAAAAAATTTGTCAAGATAAGGATCC[T>C]AAAACAAAGAATAAACAAAAGCACTAAGCACTTATAACTTTATAAATTTCCCACTTCTAA-3'